The following is an entry in ClinVar:

NM_007327.4(GRIN1):c.1616C>T (p.Thr539Ile)

Gene: GRIN1 (glutamate ionotropic receptor NMDA type subunit 1; plus strand). Cytogenetic location: 9q34.3.
Variant type: single nucleotide variant.
Coding change: c.1616C>T on transcript NM_007327.4 (MANE Select); coding-DNA position 1616, C replaced by T.
Protein change: p.Thr539Ile; replaces threonine 539 with isoleucine.
Molecular consequence: missense variant.
Genome position (GRCh38, 1-based): chr9:137,162,072, C>T. VCF-style: chr9-137162072-C-T. GRCh37 (hg19) VCF-style: chr9-140056524-C-T.
Other names: c.1616C>T, p.Thr539Ile (NM_000832.7, NM_021569.4); c.1679C>T, p.Thr560Ile (NM_001185090.2, NM_001185091.2); short protein forms T539I, T560I.
Identifiers: ClinVar variation 1305193 (VCV001305193.3), dbSNP rs2131296564, ClinGen allele CA375717520.

ClinVar aggregate classification (germline): Uncertain significance (1 of 4 stars; one submission).

Submission:

GeneDx
Classification: Uncertain significance. Last evaluated: 2025-10-27. Review status: criteria provided, single submitter. Criteria: GeneDx Variant Classification Process June 2021. Collection method: clinical testing. Allele origin: germline. Affected: yes.
Comment: Not observed in large population cohorts (gnomAD); In silico analysis, which includes protein predictors and evolutionary conservation, supports a deleterious effect; Has not been previously published as pathogenic or benign to our knowledge